The following is an entry in ClinVar:

ClinVar aggregate classification (germline): Uncertain significance (1 of 4 stars; one submission).

Conditions:
Cardiovascular phenotype. Identifiers: MedGen CN230736.

gnomAD v4.1: 3 of 1,614,116 alleles (0.00019%); highest among the groups gnomAD compares: Non-Finnish European, 0.00025%; no homozygotes.

Submission:

Ambry Genetics
Classification: Uncertain significance for Cardiovascular phenotype. Last evaluated: 2024-03-24. Review status: criteria provided, single submitter. Criteria: Ambry Variant Classification Scheme 2023. Collection method: clinical testing. Allele origin: germline.
Comment: The p.V40G variant (also known as c.119T>G), located in coding exon 2 of the APOC2 gene, results from a T to G substitution at nucleotide position 119. The valine at codon 40 is replaced by glycine, an amino acid with dissimilar properties. This amino acid position is conserved. In addition, the in silico prediction for this alteration is inconclusive. Based on the available evidence, the clinical significance of this alteration remains unclear.

NM_000483.5(APOC2):c.119T>G (p.Val40Gly)

Genes: APOC2 (apolipoprotein C2; plus strand), APOC4-APOC2 (APOC4-APOC2 readthrough (NMD candidate); plus strand). Cytogenetic location: 19q13.32.
Variant type: single nucleotide variant.
Coding change: c.119T>G on transcript NM_000483.5 (MANE Select); coding-DNA position 119, T replaced by G.
Protein change: p.Val40Gly; replaces valine 40 with glycine.
Molecular consequence: missense variant. On other transcripts: non-coding transcript variant (1).
Genome position (GRCh38, 1-based): chr19:44,948,764, T>G. VCF-style: chr19-44948764-T-G. GRCh37 (hg19) VCF-style: chr19-45452021-T-G.
Other names: short protein forms V40G.
Identifiers: ClinVar variation 3308425 (VCV003308425.1).
Genomic context (GRCh38, chr19:44,948,764, plus strand): 5'-TCCAGGGGACCCAACAGCCCCAGCAAGATGAGATGCCTAGCCCGACCTTCCTCACCCAGG[T>G]GAAGGAATCTCTCTCCAGTTACTGGGAGTCAGCAAAGACAGCCGCCCAGAACCTGTACGA-3'
Protein context (NP_000474.2, residues 30-50): EMPSPTFLTQ[Val40Gly]KESLSSYWES